The following is an entry in ClinVar:

ClinVar aggregate classification (germline): Likely benign. Review status: criteria provided, multiple submitters, no conflicts (2 of 4 stars). 3 submissions from 3 submitters: Likely benign (3). Last evaluated 2026-03-01.

Allele frequency attached by ClinVar (database versions not stated): TOPMed 0.00011; gnomAD exomes 0.00017 and 0.00030; gnomAD 0.00021 and 0.00022; ESP Exome Variant Server 0.00025; ExAC 0.00036.
gnomAD v4.1: 255 of 1,464,488 alleles (0.017%); highest among the groups gnomAD compares: Non-Finnish European, 0.017%; no homozygotes.

Submissions (3):

CeGaT Center for Human Genetics Tuebingen
Classification: Likely benign. Last evaluated: 2026-03-01. Review status: criteria provided, single submitter. Criteria: CeGaT Center For Human Genetics Tuebingen Variant Classification Criteria Version 2. Collection method: clinical testing. Allele origin: germline. Affected: yes. Observed: 2 variant alleles.
Comment: RIPOR2: BP4, BP7

Labcorp Genetics (formerly Invitae), Labcorp
Classification: Likely benign. Last evaluated: 2024-11-11. Review status: criteria provided, single submitter. Criteria: Invitae Variant Classification Sherloc (09022015). Collection method: clinical testing. Allele origin: germline.

Blueprint Genetics
Classification: Likely benign. Last evaluated: 2024-08-21. Review status: criteria provided, single submitter. Criteria: ACMG Guidelines, 2015. Collection method: clinical testing. Allele origin: germline.

NM_001286445.3(RIPOR2):c.1821G>A (p.Leu607=)

Gene: RIPOR2 (RHO family interacting cell polarization regulator 2; minus strand). Cytogenetic location: 6p22.3.
Variant type: single nucleotide variant.
Coding change: c.1821G>A on transcript NM_001286445.3 (MANE Select); coding-DNA position 1821, G replaced by A.
Protein change: p.Leu607=; no amino-acid change (leucine 607 retained).
Molecular consequence: synonymous variant.
Genome position (GRCh38, 1-based): chr6:24,842,898, C>T on the plus strand (G>A on the coding strand, the complement: RIPOR2 is on the minus strand). VCF-style: chr6-24842898-C-T. GRCh37 (hg19) VCF-style: chr6-24843126-C-T.
Other names: c.1836G>A, p.Leu612= (NM_001286446.3); c.1734G>A, p.Leu578= (NM_001286447.2, NM_001346031.2, NM_001346032.2 and 1 more transcripts); c.1884G>A, p.Leu628= (NM_014722.5).
Identifiers: ClinVar variation 1680499 (VCV001680499.25), dbSNP rs199946262, ClinGen allele CA3659186.